The following is an entry in ClinVar:

ClinVar aggregate classification (germline): Uncertain significance. Review status: criteria provided, single submitter (1 of 4 stars). 3 submissions from 3 submitters: Uncertain significance (1). 2 of the submissions do not count toward it. Last evaluated 2021-06-11.

Conditions:
Isolated cleft palate. Also called: nonsyndromic cleft palate. Identifiers: Orphanet 2014, MedGen C1837218, MONDO:0007336, OMIM 119540.
Inborn genetic diseases. Identifiers: MedGen C0950123, MeSH D030342.
GRHL3-related disorder. Also called: GRHL3-related condition.

Allele frequency attached by ClinVar (database versions not stated): gnomAD exomes 0.00015 and 0.00036; ExAC 0.00043; gnomAD 0.00081 and 0.00086; TOPMed 0.00088; ESP Exome Variant Server 0.00092; 1000 Genomes Project 0.00140; 1000 Genomes Project 30x 0.00141.
gnomAD v4.1: 347 of 1,612,412 alleles (0.022%); highest among the groups gnomAD compares: African/African-American, 0.28%; no homozygotes.

Submissions (3):

Ambry Genetics
Classification: Uncertain significance for Inborn genetic diseases. Last evaluated: 2021-06-11. Review status: criteria provided, single submitter. Criteria: Ambry Variant Classification Scheme 2023. Collection method: clinical testing. Allele origin: germline.

Orthodontics Department, Peking University School and Hospital of Stomatology
Classification: Likely pathogenic for Isolated cleft palate. Last evaluated: 2021-03-01. Review status: no assertion criteria provided. Collection method: research. Allele origin: de novo. Affected: yes. Not counted in ClinVar's aggregate classification.

PreventionGenetics, part of Exact Sciences
Classification: Likely benign for GRHL3-related condition. Last evaluated: 2019-11-20. Review status: no assertion criteria provided. Collection method: clinical testing. Allele origin: germline. Not counted in ClinVar's aggregate classification.
Comment: This variant is classified as likely benign based on ACMG/AMP sequence variant interpretation guidelines (Richards et al. 2015 PMID: 25741868, with internal and published modifications).

NM_198173.3(GRHL3):c.32G>A (p.Arg11Gln)

Gene: GRHL3 (grainyhead like transcription factor 3; plus strand). Cytogenetic location: 1p36.11.
Variant type: single nucleotide variant.
Coding change: c.32G>A on transcript NM_198173.3 (MANE Select); coding-DNA position 32, G replaced by A.
Protein change: p.Arg11Gln; replaces arginine 11 with glutamine.
Molecular consequence: missense variant. On other transcripts: 5 prime UTR variant (1).
Genome position (GRCh38, 1-based): chr1:24,331,440, G>A. VCF-style: chr1-24331440-G-A. GRCh37 (hg19) VCF-style: chr1-24657930-G-A.
Other names: c.-107G>A (NM_001195010.2); c.47G>A, p.Arg16Gln (NM_021180.4); c.32G>A, p.Arg11Gln (NM_198174.3); c.32G>A (NM_198174.2, NM_198173.2); short protein forms R11Q, R16Q.
Identifiers: ClinVar variation 1172585 (VCV001172585.8), dbSNP rs142248927, ClinGen allele CA689788.